The following is an entry in ClinVar:

ClinVar aggregate classification (germline): Uncertain significance (1 of 4 stars; one submission).

Conditions:
Brugada syndrome. Also called: Sudden unexplained nocturnal death syndrome; Sudden Unexplained Death Syndrome; Sudden Unexplained Nocturnal Death Syndrome (SUNDS); Sudden unexpected nocturnal death syndrome. Identifiers: Orphanet 130, MedGen C1142166, MONDO:0015263.

Allele frequency attached by ClinVar (database versions not stated): gnomAD exomes below 0.00001 and 0.00001; ExAC 0.00001; gnomAD 0.00001; TOPMed 0.00001.
gnomAD v4.1: 17 of 1,613,864 alleles (0.0011%); highest among the groups gnomAD compares: African/African-American, 0.0027%; no homozygotes.

Submission:

Labcorp Genetics (formerly Invitae), Labcorp
Classification: Uncertain significance for Brugada syndrome. Last evaluated: 2021-03-14. Review status: criteria provided, single submitter. Criteria: Invitae Variant Classification Sherloc (09022015). Collection method: clinical testing. Allele origin: germline.
Comment: This sequence change replaces alanine with valine at codon 606 of the SLMAP protein (p.Ala606Val). The alanine residue is moderately conserved and there is a small physicochemical difference between alanine and valine. This variant is present in population databases (rs762174645, ExAC 0.002%). This variant has not been reported in the literature in individuals with SLMAP-related conditions. Algorithms developed to predict the effect of missense changes on protein structure and function are either unavailable or do not agree on the potential impact of this missense change (SIFT: "Deleterious"; PolyPhen-2: "Probably Damaging"; Align-GVGD: "Class C0"). In summary, the available evidence is currently insufficient to determine the role of this variant in disease. Therefore, it has been classified as a Variant of Uncertain Significance.

NM_001377540.1(SLMAP):c.1919C>T (p.Ala640Val)

Gene: SLMAP (sarcolemma associated protein; plus strand). Cytogenetic location: 3p14.3.
Variant type: single nucleotide variant.
Coding change: c.1919C>T on transcript NM_001377540.1 (MANE Select); coding-DNA position 1919, C replaced by T.
Protein change: p.Ala640Val; replaces alanine 640 with valine.
Molecular consequence: missense variant. On other transcripts: non-coding transcript variant (1).
Genome position (GRCh38, 1-based): chr3:57,912,600, C>T. VCF-style: chr3-57912600-C-T. GRCh37 (hg19) VCF-style: chr3-57898327-C-T.
Other names: c.1868C>T, p.Ala623Val (NM_001304420.3, NM_001377541.1, NM_001377542.1); c.1754C>T, p.Ala585Val (NM_001304421.2, NM_001377557.1, NM_001377559.1); c.470C>T, p.Ala157Val (NM_001304422.3, NM_001311178.2); c.272C>T, p.Ala91Val (NM_001304423.3); c.347C>T, p.Ala116Val (NM_001311179.2, NM_001377926.1, NM_001377927.1 and 1 more transcripts); c.1940C>T, p.Ala647Val (NM_001377538.1); c.1919C>T, p.Ala640Val (NM_001377539.1); c.1856C>T, p.Ala619Val (NM_001377545.1); and 8 more; short protein forms A116V, A565V, A578V, A582V, A619V, A647V, A157V, A585V.
Identifiers: ClinVar variation 1418370 (VCV001418370.8), dbSNP rs762174645, ClinGen allele CA2467254.